The following is an entry in ClinVar:

ClinVar aggregate classification (germline): Uncertain significance. Review status: criteria provided, multiple submitters, no conflicts (2 of 4 stars). 2 submissions from 2 submitters: Uncertain significance (2). Last evaluated 2025-02-06.

Allele frequency attached by ClinVar (database versions not stated): ExAC 0.00001; TOPMed 0.00002; gnomAD 0.00001.

Submissions (2):

Labcorp Genetics (formerly Invitae), Labcorp
Classification: Uncertain significance. Last evaluated: 2025-02-06. Review status: criteria provided, single submitter. Criteria: Invitae Variant Classification Sherloc (09022015). Collection method: clinical testing. Allele origin: germline.
Comment: This sequence change replaces leucine, which is neutral and non-polar, with phenylalanine, which is neutral and non-polar, at codon 213 of the PSMB4 protein (p.Leu213Phe). This variant is present in population databases (rs775375843, gnomAD 0.003%). This variant has not been reported in the literature in individuals affected with PSMB4-related conditions. ClinVar contains an entry for this variant (Variation ID: 3013292). An algorithm developed to predict the effect of missense changes on protein structure and function (PolyPhen-2) suggests that this variant is likely to be disruptive. In summary, the available evidence is currently insufficient to determine the role of this variant in disease. Therefore, it has been classified as a Variant of Uncertain Significance.

Ambry Genetics
Classification: Uncertain significance. Last evaluated: 2024-06-17. Review status: criteria provided, single submitter. Criteria: Ambry Variant Classification Scheme 2023. Collection method: clinical testing. Allele origin: germline.

NM_002796.3(PSMB4):c.639A>C (p.Leu213Phe)

Gene: PSMB4 (proteasome 20S subunit beta 4; plus strand). Cytogenetic location: 1q21.3.
Variant type: single nucleotide variant.
Coding change: c.639A>C on transcript NM_002796.3 (MANE Select); coding-DNA position 639, A replaced by C.
Protein change: p.Leu213Phe; replaces leucine 213 with phenylalanine.
Molecular consequence: missense variant.
Genome position (GRCh38, 1-based): chr1:151,401,301, A>C. VCF-style: chr1-151401301-A-C. GRCh37 (hg19) VCF-style: chr1-151373777-A-C.
Other names: c.639A>C (NM_002796.2); short protein forms L213F.
Identifiers: ClinVar variation 3013292 (VCV003013292.4), dbSNP rs775375843, ClinGen allele CA1090736.
Genomic context (GRCh38, chr1:151,401,301, plus strand): 5'-TCTGCTGCGAGAAGTTCTGGAGAAGCAGCCAGTGCTAAGCCAGACCGAGGCCCGCGACTT[A>C]GTAGAACGCTGCATGCGAGTGCTGTACTACCGAGATGCCCGTTCTTACAACCGGGTGAGG-3'
Protein context (NP_002787.2, residues 203-223): PVLSQTEARD[Leu213Phe]VERCMRVLYY